The following is an entry in ClinVar:

NM_007272.3(CTRC):c.736C>G (p.Arg246Gly)

Gene: CTRC (chymotrypsin C; plus strand). Cytogenetic location: 1p36.21.
Variant type: single nucleotide variant.
Coding change: c.736C>G on transcript NM_007272.3 (MANE Select); coding-DNA position 736, C replaced by G.
Protein change: p.Arg246Gly; replaces arginine 246 with glycine.
Molecular consequence: missense variant.
Genome position (GRCh38, 1-based): chr1:15,445,693, C>G. VCF-style: chr1-15445693-C-G. GRCh37 (hg19) VCF-style: chr1-15772188-C-G.
Other names: short protein forms R246G.
Identifiers: ClinVar variation 1758550 (VCV001758550.2), dbSNP rs200412314, ClinGen allele CA338567871.

ClinVar aggregate classification (germline): Uncertain significance (1 of 4 stars; one submission).

Conditions:
Hereditary pancreatitis (PCTT). Also called: Hereditary chronic pancreatitis; PRSS1-Related Hereditary Pancreatitis. Identifiers: Orphanet 676, MedGen C0238339, MONDO:0008185, OMIM 167800.

gnomAD v4.1: 3 of 1,613,910 alleles (0.00019%); highest among the groups gnomAD compares: Non-Finnish European, 0.00025%; no homozygotes.

Submission:

Ambry Genetics
Classification: Uncertain significance for Hereditary pancreatitis. Last evaluated: 2024-03-06. Review status: criteria provided, single submitter. Criteria: Ambry Variant Classification Scheme 2023. Collection method: clinical testing. Allele origin: germline.
Comment: The p.R246G variant (also known as c.736C>G), located in coding exon 7 of the CTRC gene, results from a C to G substitution at nucleotide position 736. The arginine at codon 246 is replaced by glycine, an amino acid with dissimilar properties. This amino acid position is poorly conserved in available vertebrate species. In addition, this alteration is predicted to be tolerated by in silico analysis. Since supporting evidence is limited at this time, the clinical significance of this alteration remains unclear.